The following is an entry in ClinVar:

ClinVar aggregate classification (germline): Uncertain significance. Review status: criteria provided, multiple submitters, no conflicts (2 of 4 stars). 3 submissions from 3 submitters: Uncertain significance (3). Last evaluated 2025-01-21.

Conditions:
Inborn genetic diseases. Identifiers: MedGen C0950123, MeSH D030342.
Neuronopathy, distal hereditary motor, autosomal recessive 4. Also called: NEUROPATHY, DISTAL HEREDITARY MOTOR, AUTOSOMAL RECESSIVE 4; Autosomal recessive lower motor neuron disease with childhood onset. Identifiers: Orphanet 206580, MedGen C1970211, MONDO:0012608, OMIM 611067.
Charcot-Marie-Tooth disease recessive intermediate C. Also called: CHARCOT-MARIE-TOOTH NEUROPATHY, RECESSIVE INTERMEDIATE C. Identifiers: Orphanet 369867, MedGen C3809309, MONDO:0014154, OMIM 615376.

Allele frequency attached by ClinVar (database versions not stated): gnomAD 0.00001; gnomAD exomes 0.00001; ExAC 0.00002.
gnomAD v4.1: 15 of 1,602,676 alleles (0.00094%); highest among the groups gnomAD compares: East Asian, 0.0023%; no homozygotes.

Submissions (3):

Ambry Genetics
Classification: Uncertain significance for Inborn genetic diseases. Last evaluated: 2025-01-21. Review status: criteria provided, single submitter. Criteria: Ambry Variant Classification Scheme 2023. Collection method: clinical testing. Allele origin: germline.

GeneDx
Classification: Uncertain significance. Last evaluated: 2024-11-21. Review status: criteria provided, single submitter. Criteria: GeneDx Variant Classification Process June 2021. Collection method: clinical testing. Allele origin: germline. Affected: yes.
Comment: Not observed at significant frequency in large population cohorts (gnomAD); In silico analysis indicates that this missense variant does not alter protein structure/function; Has not been previously published as pathogenic or benign to our knowledge

Labcorp Genetics (formerly Invitae), Labcorp
Classification: Uncertain significance for Neuronopathy, distal hereditary motor, autosomal recessive 4; Charcot-Marie-Tooth disease recessive intermediate C. Last evaluated: 2023-06-30. Review status: criteria provided, single submitter. Criteria: Invitae Variant Classification Sherloc (09022015). Collection method: clinical testing. Allele origin: germline.
Comment: An algorithm developed to predict the effect of missense changes on protein structure and function (PolyPhen-2) suggests that this variant¬†is likely to be tolerated. ClinVar contains an entry for this variant (Variation ID: 1043987). This variant has not been reported in the literature in individuals affected with PLEKHG5-related conditions. This variant is present in population databases (rs755513110, gnomAD 0.003%). This sequence change replaces serine, which is neutral and polar, with arginine, which is basic and polar, at codon 400 of the PLEKHG5 protein (p.Ser400Arg). In summary, the available evidence is currently insufficient to determine the role of this variant in disease. Therefore, it has been classified as a Variant of Uncertain Significance.

NM_020631.6(PLEKHG5):c.1200C>G (p.Ser400Arg)

Gene: PLEKHG5 (pleckstrin homology and RhoGEF domain containing G5; minus strand). Cytogenetic location: 1p36.31.
Variant type: single nucleotide variant.
Coding change: c.1200C>G on transcript NM_020631.6 (MANE Select); coding-DNA position 1200, C replaced by G.
Protein change: p.Ser400Arg; replaces serine 400 with arginine.
Molecular consequence: missense variant.
Genome position (GRCh38, 1-based): chr1:6,471,569, G>C on the plus strand (C>G on the coding strand, the complement: PLEKHG5 is on the minus strand). VCF-style: chr1-6471569-G-C. GRCh37 (hg19) VCF-style: chr1-6531629-G-C.
Other names: c.1200C>G (NM_020631.4); c.1311C>G, p.Ser437Arg (NM_001042663.3, NM_001265592.2); c.1200C>G, p.Ser400Arg (NM_001042664.2, NM_001042665.2, NM_001265594.3 and 1 more transcripts); c.1407C>G, p.Ser469Arg (NM_001265593.2); short protein forms S437R, S469R, S400R.
Identifiers: ClinVar variation 1043987 (VCV001043987.11), dbSNP rs755513110, ClinGen allele CA561604.